The following is an entry in ClinVar:

ClinVar aggregate classification (germline): Uncertain significance. Review status: criteria provided, multiple submitters, no conflicts (2 of 4 stars). 2 submissions from 2 submitters: Uncertain significance (2). Last evaluated 2025-11-27.

Conditions:
Cardiovascular phenotype. Identifiers: MedGen CN230736.
Progressive familial heart block type IB (PFHB1B). Identifiers: Orphanet 871, MedGen C1970298, MONDO:0011474, OMIM 604559.

gnomAD v4.1: 12 of 1,614,054 alleles (0.00074%); highest among the groups gnomAD compares: African/African-American, 0.0013%; no homozygotes.

Submissions (2):

Labcorp Genetics (formerly Invitae), Labcorp
Classification: Uncertain significance for Progressive familial heart block type IB. Last evaluated: 2025-11-27. Review status: criteria provided, single submitter. Criteria: Invitae Variant Classification Sherloc (09022015). Collection method: clinical testing. Allele origin: germline.
Comment: This sequence change replaces alanine, which is neutral and non-polar, with threonine, which is neutral and polar, at codon 291 of the TRPM4 protein (p.Ala291Thr). This variant is present in population databases (no rsID available, gnomAD 0.002%). This variant has not been reported in the literature in individuals affected with TRPM4-related conditions. ClinVar contains an entry for this variant (Variation ID: 3675623). An algorithm developed to predict the effect of missense changes on protein structure and function (PolyPhen-2) suggests that this variant is likely to be disruptive. In summary, the available evidence is currently insufficient to determine the role of this variant in disease. Therefore, it has been classified as a Variant of Uncertain Significance.

Ambry Genetics
Classification: Uncertain significance for Cardiovascular phenotype. Last evaluated: 2025-07-12. Review status: criteria provided, single submitter. Criteria: Ambry Variant Classification Scheme 2023. Collection method: clinical testing. Allele origin: germline.
Comment: The p.A291T variant (also known as c.871G>A), located in coding exon 8 of the TRPM4 gene, results from a G to A substitution at nucleotide position 871. The alanine at codon 291 is replaced by threonine, an amino acid with similar properties. This amino acid position is conserved. In addition, this alteration is predicted to be tolerated by in silico analysis. Based on the available evidence, the clinical significance of this variant remains unclear.

NM_017636.4(TRPM4):c.871G>A (p.Ala291Thr)

Gene: TRPM4 (transient receptor potential cation channel subfamily M member 4; plus strand). Cytogenetic location: 19q13.33.
Variant type: single nucleotide variant.
Coding change: c.871G>A on transcript NM_017636.4 (MANE Select); coding-DNA position 871, G replaced by A.
Protein change: p.Ala291Thr; replaces alanine 291 with threonine.
Molecular consequence: missense variant. On other transcripts: 5 prime UTR variant (1).
Genome position (GRCh38, 1-based): chr19:49,171,590, G>A. VCF-style: chr19-49171590-G-A. GRCh37 (hg19) VCF-style: chr19-49674847-G-A.
Other names: c.871G>A (NM_017636.3); c.871G>A, p.Ala291Thr (NM_001195227.2); c.526G>A, p.Ala176Thr (NM_001321281.2); c.-683G>A (NM_001321282.2); c.349G>A, p.Ala117Thr (NM_001321283.2); c.22G>A, p.Ala8Thr (NM_001321285.2); short protein forms A176T, A117T, A291T, A8T.
Identifiers: ClinVar variation 3675623 (VCV003675623.3).